The following is an entry in ClinVar:

ClinVar aggregate classification (germline): Conflicting classifications of pathogenicity. Review status: criteria provided, conflicting classifications (1 of 4 stars). 6 submissions from 6 submitters: Uncertain significance (2); Likely benign (4). Last evaluated 2026-02-09.

Conditions:
TTN-related disorder. Also called: TTN-related condition; TTN-related disease; TTN-related disorders.
Cardiovascular phenotype. Identifiers: MedGen CN230736.
Dilated cardiomyopathy 1G (CMD1G). Identifiers: Orphanet 154, MedGen C1858763, MONDO:0011400, OMIM 604145.
Autosomal recessive limb-girdle muscular dystrophy type 2J (LGMDR10). Also called: Limb-girdle muscular dystrophy, type 2J; MUSCULAR DYSTROPHY, LIMB-GIRDLE, AUTOSOMAL RECESSIVE 10. Identifiers: Orphanet 140922, MedGen C1837342, MONDO:0012127, OMIM 608807.

Allele frequency attached by ClinVar (database versions not stated): gnomAD exomes 0.00005 and 0.00014; gnomAD 0.00006 and 0.00007; TOPMed 0.00013; ExAC 0.00014; 1000 Genomes Project 30x 0.00031; 1000 Genomes Project 0.00040.
gnomAD v4.1: 81 of 1,614,154 alleles (0.005%); highest among the groups gnomAD compares: East Asian, 0.15%; no homozygotes.

Submissions (6):

PreventionGenetics, part of Exact Sciences
Classification: Likely benign for TTN-related condition. Last evaluated: 2026-02-09. Review status: criteria provided, single submitter. Criteria: ACMG Guidelines, 2015. Collection method: clinical testing. Allele origin: germline.
Comment: This variant is classified as likely benign based on ACMG/AMP sequence variant interpretation guidelines (Richards et al. 2015 PMID: 25741868, with internal and published modifications).

Labcorp Genetics (formerly Invitae), Labcorp
Classification: Likely benign for Dilated cardiomyopathy 1G; Autosomal recessive limb-girdle muscular dystrophy type 2J. Last evaluated: 2026-02-01. Review status: criteria provided, single submitter. Criteria: Invitae Variant Classification Sherloc (09022015). Collection method: clinical testing. Allele origin: germline.

Mayo Clinic Laboratories, Mayo Clinic
Classification: Uncertain significance. Last evaluated: 2023-10-11. Review status: criteria provided, single submitter. Criteria: ACMG Guidelines, 2015. Collection method: clinical testing. Allele origin: germline. Observed: 1 variant allele.

Ambry Genetics
Classification: Likely benign for Cardiovascular phenotype. Last evaluated: 2019-03-11. Review status: criteria provided, single submitter. Criteria: Ambry Variant Classification Scheme 2023. Collection method: clinical testing. Allele origin: germline.

GeneDx
Classification: Likely benign. Last evaluated: 2018-07-25. Review status: criteria provided, single submitter. Criteria: GeneDx Variant Classification Process June 2021. Collection method: clinical testing. Allele origin: germline. Affected: yes.
Comment: This variant is associated with the following publications: (PMID: 27066551, 28771489)

Eurofins Ntd Llc (ga)
Classification: Uncertain significance. Last evaluated: 2017-06-29. Review status: criteria provided, single submitter. Criteria: EGL Classification Definitions 2015. Collection method: clinical testing. Allele origin: germline. Observed: 3 variant alleles, 3 heterozygotes.

Literature cited by the submitters: PubMed 27066551 (cited by Mayo Clinic Laboratories, Mayo Clinic and Ambry Genetics); PubMed 32344918 (cited by Mayo Clinic Laboratories, Mayo Clinic); PubMed 35207729 (cited by Mayo Clinic Laboratories, Mayo Clinic).

NM_001267550.2(TTN):c.5740G>A (p.Ala1914Thr)

Gene: TTN (titin; minus strand). Cytogenetic location: 2q31.2.
Variant type: single nucleotide variant.
Coding change: c.5740G>A on transcript NM_001267550.2 (MANE Select); coding-DNA position 5740, G replaced by A.
Protein change: p.Ala1914Thr; replaces alanine 1914 with threonine.
Molecular consequence: missense variant.
Genome position (GRCh38, 1-based): chr2:178,776,124, C>T on the plus strand (G>A on the coding strand, the complement: TTN is on the minus strand). VCF-style: chr2-178776124-C-T. GRCh37 (hg19) VCF-style: chr2-179640851-C-T.
Other names: p.Ala1914Thr; c.5740G>A, p.Ala1914Thr (NM_001256850.1, NM_133378.4, NM_133379.5); c.5602G>A, p.Ala1868Thr (NM_003319.4, NM_133432.3, NM_133437.4); short protein forms A1914T, A1868T.
Identifiers: ClinVar variation 496991 (VCV000496991.23), dbSNP rs118161093, ClinGen allele CA2005144.